The following is an entry in ClinVar:

ClinVar aggregate classification (germline): Pathogenic/Likely pathogenic. Review status: criteria provided, multiple submitters, no conflicts (2 of 4 stars). 2 submissions from 2 submitters: Pathogenic (1); Likely pathogenic (1). Last evaluated 2025-12-30.

Conditions:
Primary ciliary dyskinesia. Also called: Ciliary dyskinesia. Identifiers: Orphanet 244, MedGen C0008780, MONDO:0016575, HP:0012265.

Submissions (2):

Natera, Inc.
Classification: Likely pathogenic for Primary ciliary dyskinesia. Last evaluated: 2025-12-30. Review status: criteria provided, single submitter. Criteria: Natera Variant Classification Schema (03/2026). Collection method: clinical testing. Allele origin: germline.
Comment: The c.11804C>A variant in DNAH5 is a nonsense variant predicted to introduce a stop codon at amino acid 3935. This variant is expected to result in nonsense mediated decay, truncation, or a dysfunctional protein product. This variant is rare in the general population with a frequency below the threshold expected for the associated phenotype(s). Given the available evidence, this variant is classified as Likely Pathogenic.

Labcorp Genetics (formerly Invitae), Labcorp
Classification: Pathogenic for Primary ciliary dyskinesia. Last evaluated: 2019-07-15. Review status: criteria provided, single submitter. Criteria: Invitae Variant Classification Sherloc (09022015). Collection method: clinical testing. Allele origin: germline.
Comment: For these reasons, this variant has been classified as Pathogenic. Loss-of-function variants in DNAH5 are known to be pathogenic (PMID: 11788826, 16627867). This variant has not been reported in the literature in individuals with DNAH5-related disease. This variant is not present in population databases (ExAC no frequency). This sequence change creates a premature translational stop signal (p.Ser3935*) in the DNAH5 gene. It is expected to result in an absent or disrupted protein product.

Literature cited by the submitters: PubMed 11788826 (cited by Labcorp Genetics (formerly Invitae), Labcorp); PubMed 16627867 (cited by Labcorp Genetics (formerly Invitae), Labcorp).

NM_001369.3(DNAH5):c.11804C>A (p.Ser3935Ter)

Gene: DNAH5 (dynein axonemal heavy chain 5; minus strand). Cytogenetic location: 5p15.2.
Variant type: single nucleotide variant.
Coding change: c.11804C>A on transcript NM_001369.3 (MANE Select); coding-DNA position 11804, C replaced by A.
Protein change: p.Ser3935Ter; replaces serine 3935 with a stop codon.
Molecular consequence: nonsense.
Genome position (GRCh38, 1-based): chr5:13,729,518, G>T on the plus strand (C>A on the coding strand, the complement: DNAH5 is on the minus strand). VCF-style: chr5-13729518-G-T. GRCh37 (hg19) VCF-style: chr5-13729627-G-T.
Other names: short protein forms S3935*.
Identifiers: ClinVar variation 659274 (VCV000659274.10), dbSNP rs1579942510, ClinGen allele CA359220186.